The following is an entry in ClinVar:

ClinVar aggregate classification (germline): Uncertain significance (1 of 4 stars; one submission).

Submission:

Labcorp Genetics (formerly Invitae), Labcorp
Classification: Uncertain significance. Last evaluated: 2025-08-05. Review status: criteria provided, single submitter. Criteria: Invitae Variant Classification Sherloc (09022015). Collection method: clinical testing. Allele origin: germline.
Comment: This sequence change replaces histidine, which is basic and polar, with proline, which is neutral and non-polar, at codon 186 of the APOA1 protein (p.His186Pro). This variant is not present in population databases (gnomAD no frequency). This variant has not been reported in the literature in individuals affected with APOA1-related conditions. Invitae Evidence Modeling of protein sequence and biophysical properties (such as structural, functional, and spatial information, amino acid conservation, physicochemical variation, residue mobility, and thermodynamic stability) has been performed for this missense variant. However, the output from this modeling did not meet the statistical confidence thresholds required to predict the impact of this variant on APOA1 protein function. In summary, the available evidence is currently insufficient to determine the role of this variant in disease. Therefore, it has been classified as a Variant of Uncertain Significance.

NM_000039.3(APOA1):c.557A>C (p.His186Pro)

Gene: APOA1 (apolipoprotein A1; minus strand). Cytogenetic location: 11q23.3.
Variant type: single nucleotide variant.
Coding change: c.557A>C on transcript NM_000039.3 (MANE Select); coding-DNA position 557, A replaced by C.
Protein change: p.His186Pro; replaces histidine 186 with proline.
Molecular consequence: missense variant.
Genome position (GRCh38, 1-based): chr11:116,836,055, T>G on the plus strand (A>C on the coding strand, the complement: APOA1 is on the minus strand). VCF-style: chr11-116836055-T-G. GRCh37 (hg19) VCF-style: chr11-116706771-T-G.
Other names: c.557A>C, p.His186Pro (NM_001318017.2, NM_001318018.2, NM_001425090.1); c.230A>C, p.His77Pro (NM_001318021.2, NM_001425091.1, NM_001425092.1); c.512A>C, p.His171Pro (NM_001425093.1); short protein forms H77P, H171P, H186P.
Identifiers: ClinVar variation 4709840 (VCV004709840.1).